The following is an entry in ClinVar:

ClinVar aggregate classification (germline): Uncertain significance. Review status: criteria provided, multiple submitters, no conflicts (2 of 4 stars). 2 submissions from 2 submitters: Uncertain significance (2). Last evaluated 2023-12-26.

Allele frequency attached by ClinVar (database versions not stated): gnomAD 0.00003; TOPMed 0.00003; ExAC 0.00005; ESP Exome Variant Server 0.00008.
gnomAD v4.1: 27 of 1,612,348 alleles (0.0017%); highest among the groups gnomAD compares: African/African-American, 0.008%; no homozygotes.

Submissions (2):

Ambry Genetics
Classification: Uncertain significance. Last evaluated: 2023-12-26. Review status: criteria provided, single submitter. Criteria: Ambry Variant Classification Scheme 2023. Collection method: clinical testing. Allele origin: germline.

Labcorp Genetics (formerly Invitae), Labcorp
Classification: Uncertain significance. Last evaluated: 2023-08-30. Review status: criteria provided, single submitter. Criteria: Invitae Variant Classification Sherloc (09022015). Collection method: clinical testing. Allele origin: germline.
Comment: In summary, the available evidence is currently insufficient to determine the role of this variant in disease. Therefore, it has been classified as a Variant of Uncertain Significance. Advanced modeling of protein sequence and biophysical properties (such as structural, functional, and spatial information, amino acid conservation, physicochemical variation, residue mobility, and thermodynamic stability) performed at Invitae indicates that this missense variant is not expected to disrupt TOP1MT protein function. ClinVar contains an entry for this variant (Variation ID: 2181036). This variant has not been reported in the literature in individuals affected with TOP1MT-related conditions. This variant is present in population databases (rs376210738, gnomAD 0.008%). This sequence change replaces proline, which is neutral and non-polar, with leucine, which is neutral and non-polar, at codon 352 of the TOP1MT protein (p.Pro352Leu).

NM_052963.3(TOP1MT):c.1055C>T (p.Pro352Leu)

Gene: TOP1MT (DNA topoisomerase I mitochondrial; minus strand). Cytogenetic location: 8q24.3.
Variant type: single nucleotide variant.
Coding change: c.1055C>T on transcript NM_052963.3 (MANE Select); coding-DNA position 1055, C replaced by T.
Protein change: p.Pro352Leu; replaces proline 352 with leucine.
Molecular consequence: missense variant.
Genome position (GRCh38, 1-based): chr8:143,321,292, G>A on the plus strand (C>T on the coding strand, the complement: TOP1MT is on the minus strand). VCF-style: chr8-143321292-G-A. GRCh37 (hg19) VCF-style: chr8-144403462-G-A.
Other names: c.761C>T, p.Pro254Leu (NM_001258446.1, NM_001258447.1); c.1055C>T (NM_052963.1); short protein forms P254L, P352L.
Identifiers: ClinVar variation 2181036 (VCV002181036.5), dbSNP rs376210738, ClinGen allele CA4908541.